The following is an entry in ClinVar:

ClinVar aggregate classification (germline): Uncertain significance (1 of 4 stars; one submission).

Submission:

Labcorp Genetics (formerly Invitae), Labcorp
Classification: Uncertain significance. Last evaluated: 2024-08-09. Review status: criteria provided, single submitter. Criteria: Invitae Variant Classification Sherloc (09022015). Collection method: clinical testing. Allele origin: germline.
Comment: This sequence change replaces methionine, which is neutral and non-polar, with valine, which is neutral and non-polar, at codon 406 of the THBD protein (p.Met406Val). This variant is not present in population databases (gnomAD no frequency). This variant has not been reported in the literature in individuals affected with THBD-related conditions. An algorithm developed to predict the effect of missense changes on protein structure and function (PolyPhen-2) suggests that this variant is likely to be tolerated. In summary, the available evidence is currently insufficient to determine the role of this variant in disease. Therefore, it has been classified as a Variant of Uncertain Significance.

NM_000361.3(THBD):c.1216A>G (p.Met406Val)

Gene: THBD (thrombomodulin; minus strand). Cytogenetic location: 20p11.21.
Variant type: single nucleotide variant.
Coding change: c.1216A>G on transcript NM_000361.3 (MANE Select); coding-DNA position 1216, A replaced by G.
Protein change: p.Met406Val; replaces methionine 406 with valine.
Molecular consequence: missense variant.
Genome position (GRCh38, 1-based): chr20:23,048,289, T>C on the plus strand (A>G on the coding strand, the complement: THBD is on the minus strand). VCF-style: chr20-23048289-T-C. GRCh37 (hg19) VCF-style: chr20-23028926-T-C.
Other names: short protein forms M406V.
Identifiers: ClinVar variation 3690954 (VCV003690954.2).
Genomic context (GRCh38, chr20:23,048,289, plus strand): 5'-CACAGCTAGCCTGGGTGTTGGGGTCGCAGTCGGCTGGACAGGCAGTCTGGTTGCAAAACA[T>C]CTGGCACCTGTGCGGCTCGTGGGGAATGGGCGCGAAGCCCTCGGCGCAGACGCAGAGGTA-3'
Protein context (NP_000352.1, residues 396-416): PIPHEPHRCQ[Met406Val]FCNQTACPAD